The following is an entry in ClinVar:

NM_002691.4(POLD1):c.489C>T (p.Asp163=)

Gene: POLD1 (DNA polymerase delta 1, catalytic subunit; plus strand). Cytogenetic location: 19q13.33.
Variant type: single nucleotide variant.
Coding change: c.489C>T on transcript NM_002691.4 (MANE Select); coding-DNA position 489, C replaced by T.
Protein change: p.Asp163=; no amino-acid change (aspartic acid 163 retained).
Molecular consequence: synonymous variant. On other transcripts: non-coding transcript variant (1).
Genome position (GRCh38, 1-based): chr19:50,402,024, C>T. VCF-style: chr19-50402024-C-T. GRCh37 (hg19) VCF-style: chr19-50905281-C-T.
Other names: c.489C>T, p.Asp163= (NM_001256849.1, NM_001308632.1); c.489C>T (NM_002691.2).
Identifiers: ClinVar variation 511705 (VCV000511705.6), dbSNP rs1555789887, ClinGen allele CA508304310.

ClinVar aggregate classification (germline): Likely benign. Review status: criteria provided, multiple submitters, no conflicts (2 of 4 stars). 3 submissions from 3 submitters: Likely benign (3). Last evaluated 2024-06-08.

Conditions:
Hereditary cancer-predisposing syndrome. Also called: Tumor predisposition; Hereditary Cancer Syndrome; Hereditary neoplastic syndrome; Neoplastic Syndromes, Hereditary. Identifiers: Orphanet 140162, MedGen C0027672, MeSH D009386, MONDO:0015356.
POLD1-related polyposis and colorectal cancer syndrome (CRCS10). Also called: Colorectal cancer 10; COLORECTAL CANCER, SUSCEPTIBILITY TO, ON CHROMOSOME 19q; Colorectal cancer, susceptibility to, 10. Identifiers: Orphanet 220460, MedGen C2675481, MONDO:0012953, OMIM 612591.

Submissions (3):

Ambry Genetics
Classification: Likely benign for Hereditary cancer-predisposing syndrome. Last evaluated: 2024-06-08. Review status: criteria provided, single submitter. Criteria: Ambry Variant Classification Scheme 2023. Collection method: clinical testing. Allele origin: germline.

Labcorp Genetics (formerly Invitae), Labcorp
Classification: Likely benign for POLD1-related polyposis and colorectal cancer syndrome. Last evaluated: 2022-01-19. Review status: criteria provided, single submitter. Criteria: Invitae Variant Classification Sherloc (09022015). Collection method: clinical testing. Allele origin: germline.

GeneDx
Classification: Likely benign. Last evaluated: 2017-08-28. Review status: criteria provided, single submitter. Criteria: GeneDx Variant Classification (06012015). Collection method: clinical testing. Allele origin: germline. Affected: yes.
Comment: This variant is considered likely benign or benign based on one or more of the following criteria: it is a conservative change, it occurs at a poorly conserved position in the protein, it is predicted to be benign by multiple in silico algorithms, and/or has population frequency not consistent with disease.